The following is an entry in ClinVar:

NM_000435.3(NOTCH3):c.1595G>A (p.Arg532His)

Gene: NOTCH3 (notch receptor 3; minus strand). Cytogenetic location: 19p13.12.
Variant type: single nucleotide variant.
Coding change: c.1595G>A on transcript NM_000435.3 (MANE Select); coding-DNA position 1595, G replaced by A.
Protein change: p.Arg532His; replaces arginine 532 with histidine.
Molecular consequence: missense variant.
Genome position (GRCh38, 1-based): chr19:15,187,892, C>T on the plus strand (G>A on the coding strand, the complement: NOTCH3 is on the minus strand). VCF-style: chr19-15187892-C-T. GRCh37 (hg19) VCF-style: chr19-15298703-C-T.
Other names: short protein forms R532H.
Identifiers: ClinVar variation 1333426 (VCV001333426.1), dbSNP rs749628786, ClinGen allele CA305775252.

ClinVar aggregate classification (germline): Uncertain significance (1 of 4 stars; one submission).

Conditions:
Cerebral arteriopathy, autosomal dominant, with subcortical infarcts and leukoencephalopathy, type 1 (CADASIL1). Also called: DEMENTIA, HEREDITARY MULTIINFARCT TYPE; CADASIL 1; CASIL; Cerebral arteriopathy with subcortical infarcts and leukoencephalopathy 1. Identifiers: Orphanet 136, MedGen C4551768, MONDO:0000914, OMIM 125310.

Allele frequency attached by ClinVar (database versions not stated): TOPMed below 0.00001; gnomAD 0.00001; gnomAD exomes 0.00001.
gnomAD v4.1: 11 of 1,548,728 alleles (0.00071%); highest among the groups gnomAD compares: Middle Eastern, 0.021%; no homozygotes.

Submission:

3billion
Classification: Uncertain significance for Cerebral arteriopathy, autosomal dominant, with subcortical infarcts and leukoencephalopathy, type 1. Last evaluated: 2022-01-03. Review status: criteria provided, single submitter. Criteria: ACMG Guidelines, 2015. Collection method: clinical testing. Allele origin: germline. Affected: yes. Observed: 1 heterozygote.
Comment: A different missense change at the same codon has been reported as pathogenic/likely pathogenic with strong evidence (ClinVar ID: VCV000803540, PM5_M). It is observed at an extremely low frequency in the gnomAD v2.1.1 dataset (total allele frequency: 0.000011, PM2_M).A missense variant is a common mechanism associated with Cerebral arteriopathy with subcortical infarcts and leukoencephalopathy 1 (PP2_P). Therefore, this variant is classified as uncertain significance according to the recommendation of ACMG/AMP guideline.